The following is an entry in ClinVar:

NM_058216.3(RAD51C):c.373G>A (p.Gly125Ser)

Gene: RAD51C (RAD51 paralog C; plus strand). Cytogenetic location: 17q22.
Variant type: single nucleotide variant.
Coding change: c.373G>A on transcript NM_058216.3 (MANE Select); coding-DNA position 373, G replaced by A.
Protein change: p.Gly125Ser; replaces glycine 125 with serine.
Molecular consequence: missense variant. On other transcripts: non-coding transcript variant (2).
Genome position (GRCh38, 1-based): chr17:58,695,158, G>A. VCF-style: chr17-58695158-G-A. GRCh37 (hg19) VCF-style: chr17-56772519-G-A.
Other names: c.373G>A, p.Gly125Ser (NM_002876.4); short protein forms G125S.
Identifiers: ClinVar variation 409836 (VCV000409836.20), dbSNP rs142058115, ClinGen allele CA8677201.
Genomic context (GRCh38, chr17:58,695,158, plus strand): 5'-TCAGCACTAGATGATATTCTTGGGGGTGGAGTGCCCTTAATGAAAACAACAGAAATTTGT[G>A]GTGCACCAGGTGTTGGAAAAACACAATTATGGTAAAATAAAGTGTTCTCCTTTTAAGGGT-3'
Protein context (NP_478123.1, residues 115-135): VPLMKTTEIC[Gly125Ser]APGVGKTQLC

ClinVar aggregate classification (germline): Uncertain significance. Review status: criteria provided, multiple submitters, no conflicts (2 of 4 stars). 5 submissions from 5 submitters: Uncertain significance (5). Last evaluated 2024-11-15.

Conditions:
Hereditary cancer-predisposing syndrome. Also called: Hereditary neoplastic syndrome; Neoplastic Syndromes, Hereditary; Tumor predisposition; Hereditary Cancer Syndrome. Identifiers: Orphanet 140162, MedGen C0027672, MeSH D009386, MONDO:0015356.
Breast-ovarian cancer, familial, susceptibility to, 3. Also called: RAD51C-Related Breast/Ovarian Cancer. Identifiers: Orphanet 145, MedGen C3150659, MONDO:0013253, OMIM 613399.
Fanconi anemia complementation group O. Also called: RAD51C-Related Fanconi Anemia. Identifiers: Orphanet 84, MedGen C3150653, MONDO:0013248, OMIM 613390.

Allele frequency attached by ClinVar (database versions not stated): gnomAD exomes below 0.00001; ExAC 0.00001; ESP Exome Variant Server 0.00008.
gnomAD v4.1: 1 of 1,612,530 alleles (0.000062%); highest among the groups gnomAD compares: African/African-American, 0.0013%; no homozygotes.

Submissions (5):

Ambry Genetics
Classification: Uncertain significance for Hereditary cancer-predisposing syndrome. Last evaluated: 2024-11-15. Review status: criteria provided, single submitter. Criteria: Ambry Variant Classification Scheme 2023. Collection method: clinical testing. Allele origin: germline.
Comment: The p.G125S variant (also known as c.373G>A), located in coding exon 2 of the RAD51C gene, results from a G to A substitution at nucleotide position 373. The glycine at codon 125 is replaced by serine, an amino acid with similar properties. In a homology-directed DNA repair (HDR) assay, this variant showed a functionally indeterminant read-out in one study (Prakash R et al. Proc Natl Acad Sci U S A, 2022 Sep;119:e2202727119) and functionally normal in another study Hu C et al. Cancer Res, 2023 Aug;83:2557-2571). This amino acid position is highly conserved in available vertebrate species. In addition, this alteration is predicted to be deleterious by in silico analysis. Since supporting evidence is limited at this time, the clinical significance of this alteration remains unclear.

Labcorp Genetics (formerly Invitae), Labcorp
Classification: Uncertain significance for Fanconi anemia complementation group O. Last evaluated: 2024-01-11. Review status: criteria provided, single submitter. Criteria: Invitae Variant Classification Sherloc (09022015). Collection method: clinical testing. Allele origin: germline.
Comment: This sequence change replaces glycine, which is neutral and non-polar, with serine, which is neutral and polar, at codon 125 of the RAD51C protein (p.Gly125Ser). This variant is present in population databases (rs142058115, gnomAD 0.0009%). This variant has not been reported in the literature in individuals affected with RAD51C-related conditions. ClinVar contains an entry for this variant (Variation ID: 409836). Advanced modeling of protein sequence and biophysical properties (such as structural, functional, and spatial information, amino acid conservation, physicochemical variation, residue mobility, and thermodynamic stability) performed at Invitae indicates that this missense variant is expected to disrupt RAD51C protein function with a positive predictive value of 80%. In summary, the available evidence is currently insufficient to determine the role of this variant in disease. Therefore, it has been classified as a Variant of Uncertain Significance.

Color Diagnostics, LLC DBA Color Health
Classification: Uncertain significance for Hereditary cancer-predisposing syndrome. Last evaluated: 2023-10-30. Review status: criteria provided, single submitter. Criteria: ACMG Guidelines, 2015. Collection method: clinical testing. Allele origin: germline.
Comment: This missense variant replaces a conserved glycine with serine at codon 125 in the Walker A motif of the ATPase domain in the RAD51C protein. Computational prediction suggests that this variant may have deleterious impact on protein structure and function. A functional study has reported that this variant disrupts RAD51C binding to two RAD51 paralogs but not its ability to bind RAD51D and to rescue viability and homolog-directed repair (HDR) activities in HDR-deficient cells (PMID: 36099300). This variant has not been reported in individuals affected with RAD51C-related disorders in the literature. A different missense variant at this codon p.Gly125Ser has been reported in an individual affected with breast cancer and it has been shown to affected RAD51C function in DNA and RAD51 paralog binding and ATP hydrolysis assays in vitro and in complementation assays in RAD51-deficient cells (PMID: 36099300). This other RAD51 p.Gly125Ser missense variant also has been reported as likely disease-causing in ClinVar (variation ID: 6824). This variant has been identified in 1/250004 chromosomes in the general population by the Genome Aggregation Database (gnomAD). The available evidence is insufficient to determine the role of this variant in disease conclusively. Therefore, this variant is classified as a Variant of Uncertain Significance.

Baylor Genetics
Classification: Uncertain significance for Breast-ovarian cancer, familial, susceptibility to, 3. Last evaluated: 2023-10-24. Review status: criteria provided, single submitter. Criteria: ACMG Guidelines, 2015. Collection method: clinical testing. Allele origin: unknown.

GeneDx
Classification: Uncertain significance. Last evaluated: 2020-07-31. Review status: criteria provided, single submitter. Criteria: GeneDx Variant Classification Process June 2021. Collection method: clinical testing. Allele origin: germline. Affected: yes.
Comment: Not observed at a significant frequency in large population cohorts (Lek 2016); In silico analysis supports that this missense variant has a deleterious effect on protein structure/function; Has not been previously published as pathogenic or benign to our knowledge

Literature cited by the submitters: PubMed 36099300 (cited by Ambry Genetics and Color Diagnostics, LLC DBA Color Health); PubMed 37253112 (cited by Ambry Genetics).